The following is an entry in ClinVar:

NM_000384.3(APOB):c.9067G>A (p.Ala3023Thr)

Gene: APOB (apolipoprotein B; minus strand). Cytogenetic location: 2p24.1.
Variant type: single nucleotide variant.
Coding change: c.9067G>A on transcript NM_000384.3 (MANE Select); coding-DNA position 9067, G replaced by A.
Protein change: p.Ala3023Thr; replaces alanine 3023 with threonine.
Molecular consequence: missense variant.
Genome position (GRCh38, 1-based): chr2:21,007,801, C>T on the plus strand (G>A on the coding strand, the complement: APOB is on the minus strand). VCF-style: chr2-21007801-C-T. GRCh37 (hg19) VCF-style: chr2-21230673-C-T.
Other names: short protein forms A3023T.
Identifiers: ClinVar variation 3749919 (VCV003749919.2).

ClinVar aggregate classification (germline): Uncertain significance (1 of 4 stars; one submission).

Conditions:
Familial hypobetalipoproteinemia 1. Also called: APOB-Related Familial Hypobetalipoproteinemia; Hypobetalipoproteinemia, normotriglyceridemic; Acanthocytosis with hypobetalipoproteinemia. Identifiers: MedGen C4551990, MONDO:0014252, OMIM 615558.
Hypercholesterolemia, autosomal dominant, type B (FHCL2). Also called: Familial Hypercholesterolemia Type B; APOLIPOPROTEIN B-100, FAMILIAL DEFECTIVE; APOLIPOPROTEIN B-100, FAMILIAL LIGAND-DEFECTIVE; HYPERCHOLESTEROLEMIA, FAMILIAL, DUE TO LIGAND-DEFECTIVE APOLIPOPROTEIN B; Hyperlipoproteinemia Type IIb; Familial hypercholesterolemia 2. Identifiers: MedGen C1704417, MONDO:0007751, OMIM 144010.

gnomAD v4.1: 2 of 1,614,094 alleles (0.00012%); highest among the groups gnomAD compares: Non-Finnish European, 0.000085%; no homozygotes.

Submission:

Labcorp Genetics (formerly Invitae), Labcorp
Classification: Uncertain significance for Familial hypobetalipoproteinemia 1; Hypercholesterolemia, autosomal dominant, type B. Last evaluated: 2025-01-29. Review status: criteria provided, single submitter. Criteria: Invitae Variant Classification Sherloc (09022015). Collection method: clinical testing. Allele origin: germline.
Comment: This sequence change replaces alanine, which is neutral and non-polar, with threonine, which is neutral and polar, at codon 3023 of the APOB protein (p.Ala3023Thr). This variant is not present in population databases (gnomAD no frequency). This variant has not been reported in the literature in individuals affected with APOB-related conditions. Invitae Evidence Modeling of protein sequence and biophysical properties (such as structural, functional, and spatial information, amino acid conservation, physicochemical variation, residue mobility, and thermodynamic stability) indicates that this missense variant is not expected to disrupt APOB protein function with a negative predictive value of 95%. In summary, the available evidence is currently insufficient to determine the role of this variant in disease. Therefore, it has been classified as a Variant of Uncertain Significance.